The following is an entry in ClinVar:

ClinVar aggregate classification (germline): Conflicting classifications of pathogenicity. Review status: criteria provided, conflicting classifications (1 of 4 stars). 8 submissions from 8 submitters: Uncertain significance (7); Likely benign (1). Last evaluated 2025-03-06.

Conditions:
Osteogenesis imperfecta type 13. Also called: Osteogenesis imperfecta, type xiii; OI, TYPE XIII. Identifiers: Orphanet 666, MedGen C3553887, MONDO:0013924, OMIM 614856.

Allele frequency attached by ClinVar (database versions not stated): 1000 Genomes Project 0.00060; TOPMed 0.00061; 1000 Genomes Project 30x 0.00062; ESP Exome Variant Server 0.00062; gnomAD 0.00063 and 0.00064; gnomAD exomes 0.00080; ExAC 0.00094.
gnomAD v4.1: 1,834 of 1,613,154 alleles (0.11%); highest among the groups gnomAD compares: Non-Finnish European, 0.14%; 5 homozygotes.

Submissions (8):

GeneDx
Classification: Uncertain significance. Last evaluated: 2025-03-06. Review status: criteria provided, single submitter. Criteria: GeneDx Variant Classification Process June 2021. Collection method: clinical testing. Allele origin: germline.
Comment: Reported in a patient with an atypical femur fracture, however a second BMP1 variant was not identified (PMID: 37076969); In silico analysis supports that this missense variant has a deleterious effect on protein structure/function; This variant is associated with the following publications: (PMID: PollitR2019[thesis], 37076969)

Women's Health and Genetics/Laboratory Corporation of America, LabCorp
Classification: Likely benign. Last evaluated: 2024-12-03. Review status: criteria provided, single submitter. Criteria: LabCorp Variant Classification Summary - May 2015. Collection method: clinical testing. Allele origin: germline.
Comment: Variant summary: BMP1 c.2134G>A (p.Gly712Ser) results in a non-conservative amino acid change located in the Calcium-binding EGF-like domain (IPR001881) of the encoded protein sequence. Five of five in-silico tools predict a damaging effect of the variant on protein function. The variant allele was found at a frequency of 0.0008 in 248464 control chromosomes, predominantly at a frequency of 0.0015 within the Non-Finnish European subpopulation in the gnomAD database. The observed variant frequency within Non-Finnish European control individuals in the gnomAD database is approximately 1.3 fold of the estimated maximal expected allele frequency for a pathogenic variant in BMP1 causing Osteogenesis Imperfecta phenotype (0.0011). c.2134G>A has been reported in the literature as heterozygous in an individual affected with atypical femur fractures, however, a second BMP1 variant was not detected (Zhou_2023). These report(s) do not provide unequivocal conclusions about association of the variant with Osteogenesis Imperfecta. To our knowledge, no experimental evidence demonstrating an impact on protein function has been reported. The following publication has been ascertained in the context of this evaluation (PMID: 37076969). ClinVar contains an entry for this variant (Variation ID: 498501). Based on the evidence outlined above, the variant was classified as likely benign.

Blueprint Genetics
Classification: Uncertain significance. Last evaluated: 2024-11-06. Review status: criteria provided, single submitter. Criteria: ACMG Guidelines, 2015. Collection method: clinical testing. Allele origin: germline.

Mayo Clinic Laboratories, Mayo Clinic
Classification: Uncertain significance. Last evaluated: 2024-06-18. Review status: criteria provided, single submitter. Criteria: ACMG Guidelines, 2015. Collection method: clinical testing. Allele origin: germline. Observed: 1 variant allele.
Comment: BS1, PP3

ARUP Laboratories, Molecular Genetics and Genomics, ARUP Laboratories
Classification: Uncertain significance for Osteogenesis imperfecta type 13. Last evaluated: 2023-02-22. Review status: criteria provided, single submitter. Criteria: ARUP Molecular Germline Variant Investigation Process 2024. Collection method: clinical testing. Allele origin: germline.
Comment: The BMP1 c.2134G>A; p.Gly712Ser variant (rs117159093), to our knowledge, is not reported in the medical literature in individuals with osteogenesis imperfecta but is reported in ClinVar (Variation ID: 498501). This variant is found in the non-Finnish European population with an allele frequency of 0.1382% (176/127,382 alleles) in the Genome Aggregation Database. Computational analyses predict that this variant is deleterious (REVEL: 0.858). Due to limited information, the clinical significance of this variant is uncertain at this time.

Labcorp Genetics (formerly Invitae), Labcorp
Classification: Uncertain significance. Last evaluated: 2022-07-29. Review status: criteria provided, single submitter. Criteria: Invitae Variant Classification Sherloc (09022015). Collection method: clinical testing. Allele origin: germline.
Comment: This sequence change replaces glycine, which is neutral and non-polar, with serine, which is neutral and polar, at codon 712 of the BMP1 protein (p.Gly712Ser). This variant is present in population databases (rs117159093, gnomAD 0.1%), and has an allele count higher than expected for a pathogenic variant. This variant has not been reported in the literature in individuals affected with BMP1-related conditions. ClinVar contains an entry for this variant (Variation ID: 498501). Algorithms developed to predict the effect of missense changes on protein structure and function (SIFT, PolyPhen-2, Align-GVGD) all suggest that this variant is likely to be disruptive. In summary, the available evidence is currently insufficient to determine the role of this variant in disease. Therefore, it has been classified as a Variant of Uncertain Significance.

Illumina Laboratory Services, Illumina
Classification: Uncertain significance for Osteogenesis imperfecta type 13. Last evaluated: 2018-06-19. Review status: criteria provided, single submitter. Criteria: ICSL Variant Classification Criteria 13 December 2019. Collection method: clinical testing. Allele origin: germline.

Eurofins Ntd Llc (ga)
Classification: Uncertain significance. Last evaluated: 2016-12-13. Review status: criteria provided, single submitter. Criteria: EGL Classification Definitions 2015. Collection method: clinical testing. Allele origin: germline. Observed: 1 variant allele, 1 heterozygote.

Literature cited by the submitters: PubMed 37076969 (cited by Women's Health and Genetics/Laboratory Corporation of America, LabCorp and Mayo Clinic Laboratories, Mayo Clinic).

NM_006129.5(BMP1):c.2134G>A (p.Gly712Ser)

Gene: BMP1 (bone morphogenetic protein 1; plus strand). Cytogenetic location: 8p21.3.
Variant type: single nucleotide variant.
Coding change: c.2134G>A on transcript NM_006129.5 (MANE Select); coding-DNA position 2134, G replaced by A.
Protein change: p.Gly712Ser; replaces glycine 712 with serine.
Molecular consequence: missense variant. On other transcripts: non-coding transcript variant (1).
Genome position (GRCh38, 1-based): chr8:22,201,829, G>A. VCF-style: chr8-22201829-G-A. GRCh37 (hg19) VCF-style: chr8-22059342-G-A.
Other names: p.Gly712Ser; short protein forms G712S.
Identifiers: ClinVar variation 498501 (VCV000498501.17), dbSNP rs117159093, ClinGen allele CA4665133.